The following is an entry in ClinVar:

NM_006059.4(LAMC3):c.1846G>T (p.Val616Leu)

Gene: LAMC3 (laminin subunit gamma 3; plus strand). Cytogenetic location: 9q34.12.
Variant type: single nucleotide variant.
Coding change: c.1846G>T on transcript NM_006059.4 (MANE Select); coding-DNA position 1846, G replaced by T.
Protein change: p.Val616Leu; replaces valine 616 with leucine.
Molecular consequence: missense variant.
Genome position (GRCh38, 1-based): chr9:131,052,872, G>T. VCF-style: chr9-131052872-G-T. GRCh37 (hg19) VCF-style: chr9-133928259-G-T.
Other names: short protein forms V616L.
Identifiers: ClinVar variation 1503726 (VCV001503726.8), dbSNP rs1834321884, ClinGen allele CA375264283.
Genomic context (GRCh38, chr9:131,052,872, plus strand): 5'-CTATGTCGGGATCTCACTTTGACCGCTTCTCTCGCCAGCCTGCAGGAGACCTCCGAGGAC[G>T]TGGCCCCTCCACTGCCCCCCTTCCACTTCCAGCGGCTCCTCGCCAACCTGACCAGCCTCC-3'
Protein context (NP_006050.3, residues 606-626): RFHLQETSED[Val616Leu]APPLPPFHFQ

ClinVar aggregate classification (germline): Uncertain significance (1 of 4 stars; one submission).

Submission:

Labcorp Genetics (formerly Invitae), Labcorp
Classification: Uncertain significance. Last evaluated: 2024-10-29. Review status: criteria provided, single submitter. Criteria: Invitae Variant Classification Sherloc (09022015). Collection method: clinical testing. Allele origin: germline.
Comment: This sequence change replaces valine, which is neutral and non-polar, with leucine, which is neutral and non-polar, at codon 616 of the LAMC3 protein (p.Val616Leu). This variant is not present in population databases (gnomAD no frequency). This variant has not been reported in the literature in individuals affected with LAMC3-related conditions. ClinVar contains an entry for this variant (Variation ID: 1503726). An algorithm developed to predict the effect of missense changes on protein structure and function (PolyPhen-2) suggests that this variant is likely to be tolerated. In summary, the available evidence is currently insufficient to determine the role of this variant in disease. Therefore, it has been classified as a Variant of Uncertain Significance.